The following is an entry in ClinVar:

NM_015102.5(NPHP4):c.1045G>T (p.Val349Phe)

Gene: NPHP4 (nephrocystin 4; minus strand). Cytogenetic location: 1p36.31.
Variant type: single nucleotide variant.
Coding change: c.1045G>T on transcript NM_015102.5 (MANE Select); coding-DNA position 1045, G replaced by T.
Protein change: p.Val349Phe; replaces valine 349 with phenylalanine.
Molecular consequence: missense variant. On other transcripts: 5 prime UTR variant (2), non-coding transcript variant (1).
Genome position (GRCh38, 1-based): chr1:5,947,178, C>A on the plus strand (G>T on the coding strand, the complement: NPHP4 is on the minus strand). VCF-style: chr1-5947178-C-A. GRCh37 (hg19) VCF-style: chr1-6007238-C-A.
Other names: c.-322G>T (NM_001291593.2, NM_001291594.2); c.1045G>T (NM_015102.4); short protein forms V349F.
Identifiers: ClinVar variation 2198518 (VCV002198518.5), dbSNP rs572460781, ClinGen allele CA17155592.

ClinVar aggregate classification (germline): Uncertain significance. Review status: criteria provided, multiple submitters, no conflicts (2 of 4 stars). 2 submissions from 2 submitters: Uncertain significance (2). Last evaluated 2026-06-15.

Conditions:
NPHP4-related disorder. Also called: NPHP4-related disorders; NPHP4-related condition. Identifiers: MedGen CN239384.
Nephronophthisis. Also called: Juvenile Nephronophthisis. Identifiers: Orphanet 655, MedGen C0687120, MONDO:0019005, HP:0000090.

gnomAD v4.1: 26 of 1,613,844 alleles (0.0016%); highest among the groups gnomAD compares: Non-Finnish European, 0.0021%; no homozygotes.

Submissions (2):

PreventionGenetics, part of Exact Sciences
Classification: Uncertain significance for NPHP4-related condition. Last evaluated: 2026-06-15. Review status: criteria provided, single submitter. Criteria: ACMG Guidelines, 2015. Collection method: clinical testing. Allele origin: germline.
Comment: The NPHP4 c.1045G>T variant is predicted to result in the amino acid substitution p.Val349Phe. To our knowledge, this variant has not been reported in the literature or in a large population database, indicating this variant is rare. At this time, the clinical significance of this variant is uncertain due to the absence of conclusive functional and genetic evidence.

Labcorp Genetics (formerly Invitae), Labcorp
Classification: Uncertain significance for Nephronophthisis. Last evaluated: 2022-02-18. Review status: criteria provided, single submitter. Criteria: Invitae Variant Classification Sherloc (09022015). Collection method: clinical testing. Allele origin: germline.
Comment: This sequence change replaces valine, which is neutral and non-polar, with phenylalanine, which is neutral and non-polar, at codon 349 of the NPHP4 protein (p.Val349Phe). This variant is not present in population databases (gnomAD no frequency). This variant has not been reported in the literature in individuals affected with NPHP4-related conditions. Algorithms developed to predict the effect of missense changes on protein structure and function are either unavailable or do not agree on the potential impact of this missense change (SIFT: "Tolerated"; PolyPhen-2: "Probably Damaging"; Align-GVGD: "Class C0"). In summary, the available evidence is currently insufficient to determine the role of this variant in disease. Therefore, it has been classified as a Variant of Uncertain Significance.